The following is an entry in ClinVar:

NM_000302.4(PLOD1):c.472A>G (p.Ile158Val)

Gene: PLOD1 (procollagen-lysine,2-oxoglutarate 5-dioxygenase 1; plus strand). Cytogenetic location: 1p36.22.
Variant type: single nucleotide variant.
Coding change: c.472A>G on transcript NM_000302.4 (MANE Select); coding-DNA position 472, A replaced by G.
Protein change: p.Ile158Val; replaces isoleucine 158 with valine.
Molecular consequence: missense variant.
Genome position (GRCh38, 1-based): chr1:11,952,628, A>G. VCF-style: chr1-11952628-A-G. GRCh37 (hg19) VCF-style: chr1-12012685-A-G.
Other names: c.613A>G, p.Ile205Val (NM_001316320.2); short protein forms I158V, I205V.
Identifiers: ClinVar variation 874361 (VCV000874361.12), dbSNP rs147924545, ClinGen allele CA597925.

ClinVar aggregate classification (germline): Uncertain significance. Review status: criteria provided, multiple submitters, no conflicts (2 of 4 stars). 4 submissions from 4 submitters: Uncertain significance (4). Last evaluated 2025-03-18.

Conditions:
Familial thoracic aortic aneurysm and aortic dissection (TAAD). Also called: Thoracic aortic aneurysms and dissections. Identifiers: Orphanet 91387, MedGen C4707243, MONDO:0019625.
Ehlers-Danlos syndrome, kyphoscoliotic type 1 (EDSKSCL1). Also called: EHLERS-DANLOS SYNDROME, TYPE VIA; Ehlers-Danlos syndrome, hydroxylysine-deficient; EHLERS-DANLOS SYNDROME, OCULAR-SCOLIOTIC TYPE; PLOD1-Related Kyphoscoliotic Ehlers-Danlos Syndrome. Identifiers: Orphanet 1900, MedGen C0268342, MONDO:0016002, OMIM 225400. Disease mechanism: loss of function.

Allele frequency attached by ClinVar (database versions not stated): gnomAD exomes 0.00001 and 0.00002; ExAC 0.00002; TOPMed 0.00011; gnomAD 0.00015; ESP Exome Variant Server 0.00023.
gnomAD v4.1: 35 of 1,613,550 alleles (0.0022%); highest among the groups gnomAD compares: African/African-American, 0.039%; no homozygotes.

Submissions (4):

Ambry Genetics
Classification: Uncertain significance for Familial thoracic aortic aneurysm and aortic dissection. Last evaluated: 2025-03-18. Review status: criteria provided, single submitter. Criteria: Ambry Variant Classification Scheme 2023. Collection method: clinical testing. Allele origin: germline.
Comment: The p.I158V variant (also known as c.472A>G), located in coding exon 5 of the PLOD1 gene, results from an A to G substitution at nucleotide position 472. The isoleucine at codon 158 is replaced by valine, an amino acid with highly similar properties. This amino acid position is conserved. In addition, this alteration is predicted to be tolerated by in silico analysis. Since supporting evidence is limited at this time, the clinical significance of this alteration remains unclear.

Labcorp Genetics (formerly Invitae), Labcorp
Classification: Uncertain significance for Ehlers-Danlos syndrome, kyphoscoliotic type 1. Last evaluated: 2022-05-28. Review status: criteria provided, single submitter. Criteria: Invitae Variant Classification Sherloc (09022015). Collection method: clinical testing. Allele origin: germline.
Comment: This sequence change replaces isoleucine, which is neutral and non-polar, with valine, which is neutral and non-polar, at codon 158 of the PLOD1 protein (p.Ile158Val). This variant is present in population databases (rs147924545, gnomAD 0.04%). This variant has not been reported in the literature in individuals affected with PLOD1-related conditions. ClinVar contains an entry for this variant (Variation ID: 874361). Algorithms developed to predict the effect of missense changes on protein structure and function (SIFT, PolyPhen-2, Align-GVGD) all suggest that this variant is likely to be tolerated. In summary, the available evidence is currently insufficient to determine the role of this variant in disease. Therefore, it has been classified as a Variant of Uncertain Significance.

Illumina Laboratory Services, Illumina
Classification: Uncertain significance for Ehlers-Danlos syndrome, kyphoscoliotic type 1. Last evaluated: 2018-01-13. Review status: criteria provided, single submitter. Criteria: ICSL Variant Classification Criteria 13 December 2019. Collection method: clinical testing. Allele origin: germline.

Breakthrough Genomics
Classification: Uncertain significance. Review status: criteria provided, single submitter. Criteria: ACMG Guidelines, 2015. Collection method: not provided. Allele origin: germline. Inheritance: Autosomal recessive inheritance. Affected: yes.